The following is an entry in ClinVar:

ClinVar aggregate classification (germline): Uncertain significance (1 of 4 stars; one submission).

Allele frequency attached by ClinVar (database versions not stated): ExAC 0.00001.
gnomAD v4.1: 2 of 1,611,260 alleles (0.00012%); highest among the groups gnomAD compares: Admixed American, 0.0017%; no homozygotes.

Submission:

Ambry Genetics
Classification: Uncertain significance. Last evaluated: 2024-10-13. Review status: criteria provided, single submitter. Criteria: Ambry Variant Classification Scheme 2023. Collection method: clinical testing. Allele origin: germline.
Comment: The p.M2525V variant (also known as c.7573A>G), located in coding exon 29 of the POLQ gene, results from an A to G substitution at nucleotide position 7573. The methionine at codon 2525 is replaced by valine, an amino acid with highly similar properties. This amino acid position is conserved. In addition, this alteration is predicted to be tolerated by in silico analysis. Since supporting evidence is limited at this time, the clinical significance of this alteration remains unclear.

NM_199420.4(POLQ):c.7573A>G (p.Met2525Val)

Gene: POLQ (DNA polymerase theta; minus strand). Cytogenetic location: 3q13.33.
Variant type: single nucleotide variant.
Coding change: c.7573A>G on transcript NM_199420.4 (MANE Select); coding-DNA position 7573, A replaced by G.
Protein change: p.Met2525Val; replaces methionine 2525 with valine.
Molecular consequence: missense variant.
Genome position (GRCh38, 1-based): chr3:121,433,004, T>C on the plus strand (A>G on the coding strand, the complement: POLQ is on the minus strand). VCF-style: chr3-121433004-T-C. GRCh37 (hg19) VCF-style: chr3-121151851-T-C.
Other names: short protein forms M2525V.
Identifiers: ClinVar variation 1759586 (VCV001759586.3), dbSNP rs755724546, ClinGen allele CA2562132.
Genomic context (GRCh38, chr3:121,433,004, plus strand): 5'-CATATAGGAGTTCATCATGGAGTTGAAGGATGAAGAAGCCTCCTCTGATTGGGCAGAACA[T>C]CCCTTGCAGTTTTCTCTTTCGTGACAATCCTACTTCATGAAAAAGGAGCAAAACTGATCA-3'
Protein context (NP_955452.3, residues 2515-2535): GLSRKRKLQG[Met2525Val]FCPIRGGFFI